The following is an entry in ClinVar:

NM_001386298.1(CIC):c.4419G>T (p.Gln1473His)

Gene: CIC (capicua transcriptional repressor; plus strand). Cytogenetic location: 19q13.2.
Variant type: single nucleotide variant.
Coding change: c.4419G>T on transcript NM_001386298.1 (MANE Select); coding-DNA position 4419, G replaced by T.
Protein change: p.Gln1473His; replaces glutamine 1473 with histidine.
Molecular consequence: missense variant.
Genome position (GRCh38, 1-based): chr19:42,290,460, G>T. VCF-style: chr19-42290460-G-T. GRCh37 (hg19) VCF-style: chr19-42794612-G-T.
Other names: c.4419G>T, p.Gln1473His (NM_001304815.2, NM_001379480.1, NM_001379482.1); c.1692G>T, p.Gln564His (NM_001379484.1, NM_001379485.1, NM_015125.5); short protein forms Q1473H, Q564H.
Identifiers: ClinVar variation 1033732 (VCV001033732.3), dbSNP rs1599911754, ClinGen allele CA406105020.

ClinVar aggregate classification (germline): Uncertain significance. Review status: criteria provided, multiple submitters, no conflicts (2 of 4 stars). 2 submissions from 2 submitters: Uncertain significance (2). Last evaluated 2023-02-14.

Conditions:
Inborn genetic diseases. Identifiers: MedGen C0950123, MeSH D030342.
Intellectual developmental disorder, autosomal dominant 45. Also called: MENTAL RETARDATION, AUTOSOMAL DOMINANT 45; Intellectual disability, autosomal dominant 45. Identifiers: MedGen C4539848, MONDO:0030910, OMIM 617600.

Allele frequency attached by ClinVar (database versions not stated): gnomAD exomes below 0.00001; TOPMed below 0.00001.
gnomAD v4.1: 1 of 1,614,048 alleles (0.000062%); highest among the groups gnomAD compares: Non-Finnish European, 0.000085%; no homozygotes.

Submissions (2):

Ambry Genetics
Classification: Uncertain significance for Inborn genetic diseases. Last evaluated: 2023-02-14. Review status: criteria provided, single submitter. Criteria: Ambry Variant Classification Scheme 2023. Collection method: clinical testing. Allele origin: germline.

Baylor Genetics
Classification: Uncertain significance for Intellectual developmental disorder, autosomal dominant 45. Last evaluated: 2018-12-01. Review status: criteria provided, single submitter. Criteria: ACMG Guidelines, 2015. Collection method: clinical testing. Allele origin: unknown. Affected: yes.
Comment: This variant was determined to be of uncertain significance according to ACMG Guidelines, 2015 [PMID:25741868].